The following is an entry in ClinVar:

ClinVar aggregate classification (germline): Uncertain significance (1 of 4 stars; one submission).

Submission:

Labcorp Genetics (formerly Invitae), Labcorp
Classification: Uncertain significance. Last evaluated: 2025-04-15. Review status: criteria provided, single submitter. Criteria: Invitae Variant Classification Sherloc (09022015). Collection method: clinical testing. Allele origin: germline.
Comment: This sequence change replaces alanine, which is neutral and non-polar, with glutamic acid, which is acidic and polar, at codon 127 of the GSN protein (p.Ala127Glu). This variant is not present in population databases (gnomAD no frequency). This variant has not been reported in the literature in individuals affected with GSN-related conditions. An algorithm developed to predict the effect of missense changes on protein structure and function (PolyPhen-2) suggests that this variant is likely to be disruptive. In summary, the available evidence is currently insufficient to determine the role of this variant in disease. Therefore, it has been classified as a Variant of Uncertain Significance.

NM_198252.3(GSN):c.227C>A (p.Ala76Glu)

Gene: GSN (gelsolin; plus strand). Cytogenetic location: 9q33.2.
Variant type: single nucleotide variant.
Coding change: c.227C>A on transcript NM_198252.3 (MANE Select); coding-DNA position 227, C replaced by A.
Protein change: p.Ala76Glu; replaces alanine 76 with glutamic acid.
Molecular consequence: missense variant. On other transcripts: 5 prime UTR variant (1).
Genome position (GRCh38, 1-based): chr9:121,302,941, C>A. VCF-style: chr9-121302941-C-A. GRCh37 (hg19) VCF-style: chr9-124065219-C-A.
Other names: c.380C>A, p.Ala127Glu (NM_000177.5); c.227C>A, p.Ala76Glu (NM_001127662.2, NM_001127664.2, NM_001127665.2 and 10 more transcripts); c.335C>A, p.Ala112Glu (NM_001127663.2); c.260C>A, p.Ala87Glu (NM_001127666.2, NM_001127667.2, NM_001353063.2 and 13 more transcripts); c.278C>A, p.Ala93Glu (NM_001258029.2); c.251C>A, p.Ala84Glu (NM_001258030.2); c.299C>A, p.Ala100Glu (NM_001353076.2); c.-428C>A (NM_001353078.2); short protein forms A100E, A93E, A127E, A112E, A76E, A84E, A87E.
Identifiers: ClinVar variation 4778517 (VCV004778517.1).